The following is an entry in ClinVar:

ClinVar aggregate classification (germline): Uncertain significance (1 of 4 stars; one submission).

Conditions:
Arrhythmogenic right ventricular dysplasia 11. Also called: Arrhythmogenic Right Ventricular Dysplasia/Cardiomyopathy11; ARRHYTHMOGENIC RIGHT VENTRICULAR DYSPLASIA, FAMILIAL, 11; Arrhythmogenic right ventricular dysplasia 11 with mild palmoplantar keratoderma and woolly hair. Identifiers: MedGen C1864850, MONDO:0012506, OMIM 610476.

Allele frequency attached by ClinVar (database versions not stated): gnomAD exomes below 0.00001.
gnomAD v4.1: 3 of 1,612,242 alleles (0.00019%); highest among the groups gnomAD compares: Non-Finnish European, 0.00025%; no homozygotes.

Submission:

Labcorp Genetics (formerly Invitae), Labcorp
Classification: Uncertain significance for Arrhythmogenic right ventricular dysplasia 11. Last evaluated: 2022-06-15. Review status: criteria provided, single submitter. Criteria: Invitae Variant Classification Sherloc (09022015). Collection method: clinical testing. Allele origin: germline.
Comment: In summary, the available evidence is currently insufficient to determine the role of this variant in disease. Therefore, it has been classified as a Variant of Uncertain Significance. Algorithms developed to predict the effect of missense changes on protein structure and function output the following: SIFT: "Tolerated"; PolyPhen-2: "Benign"; Align-GVGD: "Class C0". The proline amino acid residue is found in multiple mammalian species, which suggests that this missense change does not adversely affect protein function. This variant has not been reported in the literature in individuals affected with DSC2-related conditions. This variant is not present in population databases (gnomAD no frequency). This sequence change replaces glutamine, which is neutral and polar, with proline, which is neutral and non-polar, at codon 116 of the DSC2 protein (p.Gln116Pro).

NM_024422.6(DSC2):c.347A>C (p.Gln116Pro)

Gene: DSC2 (desmocollin 2; minus strand). Cytogenetic location: 18q12.1.
Variant type: single nucleotide variant.
Coding change: c.347A>C on transcript NM_024422.6 (MANE Select); coding-DNA position 347, A replaced by C.
Protein change: p.Gln116Pro; replaces glutamine 116 with proline.
Molecular consequence: missense variant.
Genome position (GRCh38, 1-based): chr18:31,092,108, T>G on the plus strand (A>C on the coding strand, the complement: DSC2 is on the minus strand). VCF-style: chr18-31092108-T-G. GRCh37 (hg19) VCF-style: chr18-28672071-T-G.
Other names: c.-83A>C (NM_001406506.1, NM_001406507.1); c.347A>C, p.Gln116Pro (NM_004949.5); short protein forms Q116P.
Identifiers: ClinVar variation 1902528 (VCV001902528.5), dbSNP rs2510955948, ClinGen allele CA402114567.